The following is an entry in ClinVar:

ClinVar aggregate classification (germline): Uncertain significance (1 of 4 stars; one submission).

Conditions:
Granulomatous disease, chronic, X-linked. Also called: CYTOCHROME b-NEGATIVE GRANULOMATOUS DISEASE, CHRONIC, X-LINKED; GRANULOMATOUS DISEASE, CHRONIC, X-LINKED, SOMATIC MOSAIC. Identifiers: Orphanet 379, MedGen C1844376, MONDO:0010600, OMIM 306400.

Submission:

Labcorp Genetics (formerly Invitae), Labcorp
Classification: Uncertain significance for Granulomatous disease, chronic, X-linked. Last evaluated: 2021-07-09. Review status: criteria provided, single submitter. Criteria: Invitae Variant Classification Sherloc (09022015). Collection method: clinical testing. Allele origin: germline.
Comment: This sequence change falls in intron 6 of the CYBB gene. It does not directly change the encoded amino acid sequence of the CYBB protein. It affects a nucleotide within the consensus splice site of the intron. This variant is not present in population databases (ExAC no frequency). This variant has been observed in individual(s) with chronic granulomatous disease (Invitae). Nucleotide substitutions within the consensus splice site are a relatively common cause of aberrant splicing (PMID: 17576681, 9536098). Algorithms developed to predict the effect of sequence changes on RNA splicing suggest that this variant may disrupt the consensus splice site, but this prediction has not been confirmed by published transcriptional studies. In summary, the available evidence is currently insufficient to determine the role of this variant in disease. Therefore, it has been classified as a Variant of Uncertain Significance.

Literature cited by the submitters: PubMed 17576681; PubMed 9536098.

NM_000397.4(CYBB):c.674+6T>G

Gene: CYBB (cytochrome b-245 beta chain; plus strand). Cytogenetic location: Xp21.1.
Variant type: single nucleotide variant.
Coding change: c.674+6T>G on transcript NM_000397.4 (MANE Select); 6 bases into the intron after coding-DNA position 674, T replaced by G.
Molecular consequence: intron variant.
Genome position (GRCh38, 1-based): chrX:37,796,147, T>G. VCF-style: chrX-37796147-T-G. GRCh37 (hg19) VCF-style: chrX-37655400-T-G.
Identifiers: ClinVar variation 1467599 (VCV001467599.8), dbSNP rs2146811888, ClinGen allele CA2573158630.